The following is an entry in ClinVar:

ClinVar aggregate classification (germline): Uncertain significance. Review status: criteria provided, multiple submitters, no conflicts (2 of 4 stars). 2 submissions from 2 submitters: Uncertain significance (2). Last evaluated 2024-10-20.

Conditions:
Spastic paraplegia. Identifiers: MedGen C0037772, HP:0001258.

Allele frequency attached by ClinVar (database versions not stated): gnomAD exomes below 0.00001.
gnomAD v4.1: 5 of 1,211,903 alleles (0.00041%); highest among the groups gnomAD compares: South Asian, 0.0035%; no homozygotes.

Submissions (2):

Labcorp Genetics (formerly Invitae), Labcorp
Classification: Uncertain significance for Spastic paraplegia. Last evaluated: 2024-10-20. Review status: criteria provided, single submitter. Criteria: Invitae Variant Classification Sherloc (09022015). Collection method: clinical testing. Allele origin: germline.
Comment: This sequence change replaces serine, which is neutral and polar, with leucine, which is neutral and non-polar, at codon 1379 of the KDM5C protein (p.Ser1379Leu). This variant is not present in population databases (gnomAD no frequency). This variant has not been reported in the literature in individuals affected with KDM5C-related conditions. ClinVar contains an entry for this variant (Variation ID: 1309182). Invitae Evidence Modeling of protein sequence and biophysical properties (such as structural, functional, and spatial information, amino acid conservation, physicochemical variation, residue mobility, and thermodynamic stability) indicates that this missense variant is not expected to disrupt KDM5C protein function with a negative predictive value of 95%. In summary, the available evidence is currently insufficient to determine the role of this variant in disease. Therefore, it has been classified as a Variant of Uncertain Significance.

GeneDx
Classification: Uncertain significance. Last evaluated: 2019-10-21. Review status: criteria provided, single submitter. Criteria: GeneDx Variant Classification Process June 2021. Collection method: clinical testing. Allele origin: germline. Affected: yes.
Comment: Not observed in large population cohorts (Lek et al., 2016); In silico analysis, which includes protein predictors and evolutionary conservation, supports that this variant does not alter protein structure/function; Has not been previously published as pathogenic or benign to our knowledge

NM_004187.5(KDM5C):c.4136C>T (p.Ser1379Leu)

Gene: KDM5C (lysine demethylase 5C; minus strand). Cytogenetic location: Xp11.22.
Variant type: single nucleotide variant.
Coding change: c.4136C>T on transcript NM_004187.5 (MANE Select); coding-DNA position 4136, C replaced by T.
Protein change: p.Ser1379Leu; replaces serine 1379 with leucine.
Molecular consequence: missense variant. On other transcripts: non-coding transcript variant (3).
Genome position (GRCh38, 1-based): chrX:53,193,618, G>A on the plus strand (C>T on the coding strand, the complement: KDM5C is on the minus strand). VCF-style: chrX-53193618-G-A. GRCh37 (hg19) VCF-style: chrX-53222800-G-A.
Other names: c.3926C>T, p.Ser1309Leu (NM_001146702.2); c.4133C>T, p.Ser1378Leu (NM_001282622.3, NM_001353979.2); c.4127C>T, p.Ser1376Leu (NM_001353978.3, NM_001353981.2, NM_001353984.2); c.4124C>T, p.Ser1375Leu (NM_001353982.2); short protein forms S1309L, S1375L, S1376L, S1378L, S1379L.
Identifiers: ClinVar variation 1309182 (VCV001309182.6), dbSNP rs2146815694, ClinGen allele CA413105389.